The following is an entry in ClinVar:

NM_000152.5(GAA):c.1551+2T>G

Gene: GAA (alpha glucosidase; plus strand). Cytogenetic location: 17q25.3.
Variant type: single nucleotide variant.
Coding change: c.1551+2T>G on transcript NM_000152.5 (MANE Select); the canonical splice donor site of the intron after coding-DNA position 1551, T replaced by G.
Molecular consequence: splice donor variant.
Genome position (GRCh38, 1-based): chr17:80,110,842, T>G. VCF-style: chr17-80110842-T-G. GRCh37 (hg19) VCF-style: chr17-78084641-T-G.
Other names: c.1551+2T>G (NM_001406741.1, NM_001406742.1, NM_001079803.3 and 1 more transcripts).
Identifiers: ClinVar variation 4876663 (VCV004876663.1).
Genomic context (GRCh38, chr17:80,110,842, plus strand): 5'-GGTGGGAGGACATGGTGGCTGAGTTCCATGACCAGGTGCCCTTCGACGGCATGTGGATTG[T>G]AAGTGTGGCCCCCTCCTGAGCATCCCCAAGGCCTCTGGGGACTACCCCACCCTCCTCACT-3'

ClinVar aggregate classification (germline): Pathogenic (1 of 4 stars; one submission).

Conditions:
Glycogen storage disease, type II (IOPD). Also called: Pompe Disease; CARDIOMEGALIA GLYCOGENICA DIFFUSA; GLYCOGENOSIS, GENERALIZED, CARDIAC FORM; GSD II; POMPE DISEASE, INFANTILE-ONSET; GLYCOGEN STORAGE DISEASE II, INFANTILE-ONSET. Identifiers: Orphanet 365, MedGen C0017921, MONDO:0009290, OMIM 232300.

Submission:

Genomenon, Inc
Classification: Pathogenic for Glycogen storage disease, type II. Last evaluated: 2026-07-01. Review status: criteria provided, single submitter. Criteria: Genomenon Sequence Variant Interpretation Standards - Updated. Collection method: curation. Allele origin: germline. Affected: yes.
Comment: GAA c.1551+2T>G is a canonical splice variant affecting the donor splice site of intron 10. It is predicted to affect mRNA splicing, leading to a deleterious effect on the GAA protein. This variant has been observed in at least one proband with a GAA-related disorder (PMID:28394184;24269976). At least one splicing study has demonstrated that this variant results in aberrant splicing (PMID:24269976). It is absent or not present at a significant frequency in gnomAD. In conclusion, we classify GAA c.1551+2T>G as a pathogenic variant.

Literature cited by the submitters: PubMed 28394184; PubMed 24269976.